The following is an entry in ClinVar:

ClinVar aggregate classification (germline): Uncertain significance (1 of 4 stars; one submission).

Allele frequency attached by ClinVar (database versions not stated): gnomAD 0.00001; gnomAD exomes 0.00004; ExAC 0.00006; ESP Exome Variant Server 0.00008.
gnomAD v4.1: 17 of 1,592,830 alleles (0.0011%); highest among the groups gnomAD compares: South Asian, 0.016%; no homozygotes.

Submission:

Labcorp Genetics (formerly Invitae), Labcorp
Classification: Uncertain significance. Last evaluated: 2024-12-02. Review status: criteria provided, single submitter. Criteria: Invitae Variant Classification Sherloc (09022015). Collection method: clinical testing. Allele origin: germline.
Comment: This sequence change replaces aspartic acid, which is acidic and polar, with asparagine, which is neutral and polar, at codon 1193 of the CARMIL2 protein (p.Asp1193Asn). This variant is present in population databases (rs373514915, gnomAD 0.03%). This variant has not been reported in the literature in individuals affected with CARMIL2-related conditions. ClinVar contains an entry for this variant (Variation ID: 1386852). Invitae Evidence Modeling of protein sequence and biophysical properties (such as structural, functional, and spatial information, amino acid conservation, physicochemical variation, residue mobility, and thermodynamic stability) indicates that this missense variant is not expected to disrupt CARMIL2 protein function with a negative predictive value of 80%. In summary, the available evidence is currently insufficient to determine the role of this variant in disease. Therefore, it has been classified as a Variant of Uncertain Significance.

NM_001013838.3(CARMIL2):c.3577G>A (p.Asp1193Asn)

Gene: CARMIL2 (capping protein regulator and myosin 1 linker 2; plus strand). Cytogenetic location: 16q22.1.
Variant type: single nucleotide variant.
Coding change: c.3577G>A on transcript NM_001013838.3 (MANE Select); coding-DNA position 3577, G replaced by A.
Protein change: p.Asp1193Asn; replaces aspartic acid 1193 with asparagine.
Molecular consequence: missense variant.
Genome position (GRCh38, 1-based): chr16:67,654,687, G>A. VCF-style: chr16-67654687-G-A. GRCh37 (hg19) VCF-style: chr16-67688590-G-A.
Other names: c.3469G>A, p.Asp1157Asn (NM_001317026.3); short protein forms D1193N, D1157N.
Identifiers: ClinVar variation 1386852 (VCV001386852.6), dbSNP rs373514915, ClinGen allele CA8114047.
Genomic context (GRCh38, chr16:67,654,687, plus strand): 5'-AAGGCCTACTCGATGATACTGCTGCCTGCCGAGGAGGAGGCAACGCTGGGTGCCAGACCC[G>A]ACAAGGTGAGGCTTGCTGATGGGGGGTGGTGAAGGCGCTTCTGGGACCCAGGGCGCGGAC-3'
Protein context (NP_001013860.1, residues 1183-1203): EEEATLGARP[Asp1193Asn]KRRPLERGET